The following is an entry in ClinVar:

ClinVar aggregate classification (germline): Conflicting classifications of pathogenicity. Review status: criteria provided, conflicting classifications (1 of 4 stars). 6 submissions from 6 submitters: Pathogenic (1); Uncertain significance (5). Last evaluated 2025-09-28.

Conditions:
Catecholaminergic polymorphic ventricular tachycardia 1. Also called: RYR2-Related Catecholaminergic Polymorphic Ventricular Tachycardia; VENTRICULAR TACHYCARDIA, CATECHOLAMINERGIC POLYMORPHIC, 1, WITH OR WITHOUT ATRIAL DYSFUNCTION AND/OR DILATED CARDIOMYOPATHY; VENTRICULAR TACHYCARDIA, STRESS-INDUCED POLYMORPHIC 1. Identifiers: Orphanet 3286, MedGen C1631597, MONDO:0011484, OMIM 604772.
Cardiovascular phenotype. Identifiers: MedGen CN230736.
Catecholaminergic polymorphic ventricular tachycardia (CVPT). Also called: Catecholamine-induced polymorphic ventricular tachycardia. Identifiers: Orphanet 3286, MedGen C5574922, MONDO:0017990.
Cardiomyopathy (CMYO). Also called: Cardiomyopathies. Identifiers: Orphanet 167848, MedGen C0878544, MONDO:0004994, HP:0001638. Inheritance: Various modes of inheritance.

Allele frequency attached by ClinVar (database versions not stated): gnomAD exomes below 0.00001 and 0.00001; TOPMed 0.00001.
gnomAD v4.1: 14 of 1,613,914 alleles (0.00087%); highest among the groups gnomAD compares: Non-Finnish European, 0.0012%; no homozygotes.

Submissions (6):

Labcorp Genetics (formerly Invitae), Labcorp
Classification: Uncertain significance for Catecholaminergic polymorphic ventricular tachycardia 1. Last evaluated: 2025-09-28. Review status: criteria provided, single submitter. Criteria: Invitae Variant Classification Sherloc (09022015). Collection method: clinical testing. Allele origin: germline.
Comment: This sequence change replaces leucine, which is neutral and non-polar, with phenylalanine, which is neutral and non-polar, at codon 62 of the RYR2 protein (p.Leu62Phe). This variant is present in population databases (rs794728813, gnomAD 0.0009%). This missense change has been observed in individual(s) with clinical features of catecholaminergic polymorphic ventricular tachycardia (PMID: 19926015). ClinVar contains an entry for this variant (Variation ID: 201368). Invitae Evidence Modeling of protein sequence and biophysical properties (such as structural, functional, and spatial information, amino acid conservation, physicochemical variation, residue mobility, and thermodynamic stability) indicates that this missense variant is expected to disrupt RYR2 protein function with a positive predictive value of 80%. In summary, the available evidence is currently insufficient to determine the role of this variant in disease. Therefore, it has been classified as a Variant of Uncertain Significance.

Color Diagnostics, LLC DBA Color Health
Classification: Uncertain significance for Cardiomyopathy. Last evaluated: 2024-07-26. Review status: criteria provided, single submitter. Criteria: ACMG Guidelines, 2015. Collection method: clinical testing. Allele origin: germline.
Comment: This missense variant replaces leucine with phenylalanine at codon 62 of the RYR2 protein. Computational prediction is inconclusive regarding the impact of this variant on protein structure and function. To our knowledge, functional studies have not been reported for this variant. This variant has been reported in an individual affected with catecholaminergic polymorphic ventricular tachycardia (PMID: 19926015). This variant has been identified in 1/249204 chromosomes in the general population by the Genome Aggregation Database (gnomAD). The available evidence is insufficient to determine the role of this variant in disease conclusively. Therefore, this variant is classified as a Variant of Uncertain Significance.

All of Us Research Program, National Institutes of Health
Classification: Uncertain significance for Catecholaminergic polymorphic ventricular tachycardia. Last evaluated: 2023-05-04. Review status: criteria provided, single submitter. Criteria: ACMG Guidelines, 2015. Collection method: clinical testing. Allele origin: germline. Inheritance: Autosomal dominant inheritance. Observed: 1 variant allele, 1 heterozygote.
Comment: This missense variant replaces leucine with phenylalanine at codon 62 of the RYR2 protein. Computational prediction is inconclusive regarding the impact of this variant on protein structure and function (internally defined REVEL score threshold 0.5 < inconclusive < 0.7, PMID: 27666373). To our knowledge, functional studies have not been reported for this variant. This variant has been reported in an individual affected with catecholaminergic polymorphic ventricular tachycardia (PMID: 19926015). This variant has been identified in 1/249204 chromosomes in the general population by the Genome Aggregation Database (gnomAD). The available evidence is insufficient to determine the role of this variant in disease conclusively. Therefore, this variant is classified as a Variant of Uncertain Significance.

This study involves interpretation of variants in research participants for the purpose of population health screening. Participant phenotype was not available at the time of variant classification. Additional details can be found in publication PMID: 35346344, PMCID: PMC8962531

Ambry Genetics
Classification: Uncertain significance for Cardiovascular phenotype. Last evaluated: 2023-02-07. Review status: criteria provided, single submitter. Criteria: Ambry Variant Classification Scheme 2023. Collection method: clinical testing. Allele origin: germline.
Comment: The p.L62F variant (also known as c.184C>T), located in coding exon 3 of the RYR2 gene, results from a C to T substitution at nucleotide position 184. The leucine at codon 62 is replaced by phenylalanine, an amino acid with highly similar properties. This variant has been detected in an individual with features of catecholaminergic polymorphic ventricular tachycardia (CPVT); however, details were not provided (Medeiros-Domingo A et al. J Am Coll Cardiol, 2009 Nov;54:2065-74; Kapplinger JD et al. Circ Genom Precis Med, 2018 Feb;11:e001424). This amino acid position is highly conserved in available vertebrate species. In addition, the in silico prediction for this alteration is inconclusive. Since supporting evidence is limited at this time, the clinical significance of this alteration remains unclear.

Mayo Clinic Laboratories, Mayo Clinic
Classification: Uncertain significance. Last evaluated: 2021-02-01. Review status: criteria provided, single submitter. Criteria: ACMG Guidelines, 2015. Collection method: clinical testing. Allele origin: germline. Observed: 1 variant allele.

GeneDx
Classification: Pathogenic. Last evaluated: 2011-08-15. Review status: criteria provided, single submitter. Criteria: GeneDx Variant Classification (06012015). Collection method: clinical testing. Allele origin: germline. Affected: yes.
Comment: This mutation is denoted Leu62Phe (aka L62F) at the protein level and c.184 C>T at the cDNA level. A C>T nucleotide substitution was identified in exon 3 of the RYR2 gene, resulting in replacement of the normal Leucine codon (CTC) with a Phenylalanine codon (TTC) at amino acid position 62 in the cardiac ryanodine receptor. The Leu62Phe mutation in the RYR2 gene has been reported in one individual diagnosed with CPVT and this mutation was absent from 400 control alleles (Medeiros-Domingo, et al. 2009). In addition, the Leu62Phe mutation was not detected in up to 400 alleles from control individuals of Caucasian and African American ancestry tested at GeneDx, indicating it is not a common benign variant in this population. In addition, the Leu62Phe mutation is located near the N-terminal mutation hot spot in the RYR2 gene (Medeiros-Domingo, et al. 2009). The variant is found in CPVT panel(s).

Literature cited by the submitters: PubMed 19926015 (cited by 4 submitters); PubMed 23871484 (cited by Ambry Genetics); PubMed 29453246 (cited by Ambry Genetics).

NM_001035.3(RYR2):c.184C>T (p.Leu62Phe)

Gene: RYR2 (ryanodine receptor 2; plus strand). Cytogenetic location: 1q43.
Variant type: single nucleotide variant.
Coding change: c.184C>T on transcript NM_001035.3 (MANE Select); coding-DNA position 184, C replaced by T.
Protein change: p.Leu62Phe; replaces leucine 62 with phenylalanine.
Molecular consequence: missense variant.
Genome position (GRCh38, 1-based): chr1:237,330,893, C>T. VCF-style: chr1-237330893-C-T. GRCh37 (hg19) VCF-style: chr1-237494193-C-T.
Other names: p.L62F:CTC>TTC; c.184C>T, p.Leu62Phe (LRG_402t1); short protein forms L62F.
Identifiers: ClinVar variation 201368 (VCV000201368.23), dbSNP rs794728813, ClinGen allele CA008629.
Genomic context (GRCh38, chr1:237,330,893, plus strand): 5'-TTGATGAAGATGATGCTGCTGACTGCTCTTCCTCTTTCTGTGCAGAATGTGCCCCCAGAC[C>T]TCTCCATCTGCACCTTTGTGCTGGAGCAGTCCCTCTCTGTCCGGGCGCTGCAGGAGATGC-3'
Protein context (NP_001026.2, residues 52-72): TSNSKNVPPD[Leu62Phe]SICTFVLEQS